The following is an entry in ClinVar:

NM_025074.7(FRAS1):c.9981C>A (p.Tyr3327Ter)

Gene: FRAS1 (Fraser extracellular matrix complex subunit 1; plus strand). Cytogenetic location: 4q21.21.
Variant type: single nucleotide variant.
Coding change: c.9981C>A on transcript NM_025074.7 (MANE Select); coding-DNA position 9981, C replaced by A.
Protein change: p.Tyr3327Ter; replaces tyrosine 3327 with a stop codon.
Molecular consequence: nonsense.
Genome position (GRCh38, 1-based): chr4:78,511,474, C>A. VCF-style: chr4-78511474-C-A. GRCh37 (hg19) VCF-style: chr4-79432628-C-A.
Other names: short protein forms Y3327*.
Identifiers: ClinVar variation 3776050 (VCV003776050.1).
Genomic context (GRCh38, chr4:78,511,474, plus strand): 5'-AGTGGTGGCTGGGACATCCAGAGGCTTCCAGGCTCAGTCCTTCATCGCAACCTTGAAATA[C>A]CTGGATGTCAAACATAAGGAGCATCCGAACAGGTCAGGCAGGTGGTGCCTTCCACCACAC-3'

ClinVar aggregate classification (germline): Pathogenic (1 of 4 stars; one submission).

Conditions:
Fraser syndrome 1 (FRASRS1). Also called: CRYPTOPHTHALMOS WITH OTHER MALFORMATIONS. Identifiers: Orphanet 2052, MedGen C4551480, MONDO:0054737, OMIM 219000.

Submission:

3billion
Classification: Pathogenic for Fraser syndrome 1. Last evaluated: 2024-02-14. Review status: criteria provided, single submitter. Criteria: ACMG Guidelines, 2015. Collection method: clinical testing. Allele origin: germline. Affected: yes.
Comment: The variant is not observed in the gnomAD v2.1.1 dataset. Predicted Consequence/Location: Stop-gained (nonsense): predicted to result in a loss or disruption of normal protein function through nonsense-mediated decay (NMD) or protein truncation. Multiple pathogenic variants are reported downstream of the variant. Therefore, this variant is classified as Pathogenic according to the recommendation of ACMG/AMP guideline.